The following is an entry in ClinVar:

ClinVar aggregate classification (germline): Uncertain significance. Review status: criteria provided, multiple submitters, no conflicts (2 of 4 stars). 2 submissions from 2 submitters: Uncertain significance (2). Last evaluated 2026-05-26.

Conditions:
Osteogenesis imperfecta type I (OI1). Also called: OI, TYPE I; OSTEOGENESIS IMPERFECTA TARDA; OSTEOGENESIS IMPERFECTA WITH BLUE SCLERAE; Lobstein disease; Classic Non-deforming Osteogenesis Imperfecta with Blue Sclerae; Osteogenesis imperfecta type 1. Identifiers: Orphanet 216796, Orphanet 666, MedGen C0023931, MONDO:0008146, OMIM 166200. Disease mechanism: loss of function.
Ehlers-Danlos syndrome, classic type, 1 (EDSCL1). Also called: EHLERS-DANLOS SYNDROME, GRAVIS TYPE; EHLERS-DANLOS SYNDROME, SEVERE CLASSIC TYPE; Ehlers-Danlos Syndrome, Classic Type, COL5A1-Related; EDS I; Ehlers-Danlos syndrome, type 1. Identifiers: MedGen C0268335, MONDO:0019567, OMIM 130000.

Allele frequency attached by ClinVar (database versions not stated): gnomAD exomes below 0.00001.
gnomAD v4.1: 1 of 1,599,890 alleles (0.000063%); highest among the groups gnomAD compares: East Asian, 0.0022%; no homozygotes.

Submissions (2):

GeneDx
Classification: Uncertain significance. Last evaluated: 2026-05-26. Review status: criteria provided, single submitter. Criteria: GeneDx Variant Classification Process June 2021. Collection method: clinical testing. Allele origin: germline.
Comment: Not observed at significant frequency in large population cohorts (gnomAD); Has not been previously published as pathogenic or benign to our knowledge; In silico analysis suggests this variant may impact gene splicing. In the absence of RNA/functional studies, the actual effect of this sequence change is unknown.

Labcorp Genetics (formerly Invitae), Labcorp
Classification: Uncertain significance for Osteogenesis imperfecta type I; Ehlers-Danlos syndrome, classic type, 1. Last evaluated: 2023-09-08. Review status: criteria provided, single submitter. Criteria: Invitae Variant Classification Sherloc (09022015). Collection method: clinical testing. Allele origin: germline.
Comment: This variant is not present in population databases (gnomAD no frequency). This variant has not been reported in the literature in individuals affected with COL1A2-related conditions. Algorithms developed to predict the effect of sequence changes on RNA splicing suggest that this variant may create or strengthen a splice site. In summary, the available evidence is currently insufficient to determine the role of this variant in disease. Therefore, it has been classified as a Variant of Uncertain Significance. This sequence change affects codon 630 of the COL1A2 mRNA. It is a 'silent' change, meaning that it does not change the encoded amino acid sequence of the COL1A2 protein.

NM_000089.4(COL1A2):c.1890G>A (p.Val630=)

Gene: COL1A2 (collagen type I alpha 2 chain; plus strand). Cytogenetic location: 7q21.3.
Variant type: single nucleotide variant.
Coding change: c.1890G>A on transcript NM_000089.4 (MANE Select); coding-DNA position 1890, G replaced by A.
Protein change: p.Val630=; no amino-acid change (valine 630 retained).
Molecular consequence: synonymous variant.
Genome position (GRCh38, 1-based): chr7:94,417,750, G>A. VCF-style: chr7-94417750-G-A. GRCh37 (hg19) VCF-style: chr7-94047062-G-A.
Identifiers: ClinVar variation 2924068 (VCV002924068.5), dbSNP rs2484721781, ClinGen allele CA456489125.